The following is an entry in ClinVar:

NM_006648.4(WNK2):c.3979C>T (p.Pro1327Ser)

Gene: WNK2 (WNK lysine deficient protein kinase 2; plus strand). Cytogenetic location: 9q22.31.
Variant type: single nucleotide variant.
Coding change: c.3979C>T on transcript NM_006648.4 (MANE Select); coding-DNA position 3979, C replaced by T.
Protein change: p.Pro1327Ser; replaces proline 1327 with serine.
Molecular consequence: missense variant.
Genome position (GRCh38, 1-based): chr9:93,268,692, C>T. VCF-style: chr9-93268692-C-T. GRCh37 (hg19) VCF-style: chr9-96030974-C-T.
Other names: c.3979C>T, p.Pro1327Ser (NM_001282394.3); short protein forms P1327S.
Identifiers: ClinVar variation 4201745 (VCV004201745.1).

ClinVar aggregate classification (germline): Uncertain significance (1 of 4 stars; one submission).

gnomAD v4.1: 6 of 1,613,432 alleles (0.00037%); highest among the groups gnomAD compares: South Asian, 0.0033%; no homozygotes.

Submission:

Ambry Genetics
Classification: Uncertain significance. Last evaluated: 2025-08-12. Review status: criteria provided, single submitter. Criteria: Ambry Variant Classification Scheme 2023. Collection method: clinical testing. Allele origin: germline.
Comment: The p.P1327S variant (also known as c.3979C>T), located in coding exon 18 of the WNK2 gene, results from a C to T substitution at nucleotide position 3979. The proline at codon 1327 is replaced by serine, an amino acid with similar properties. This amino acid position is conserved. In addition, this alteration is predicted to be tolerated by in silico analysis. Based on the available evidence, the clinical significance of this variant remains unclear.